The following is an entry in ClinVar:

NM_000053.4(ATP7B):c.525del (p.Val176fs)

Gene: ATP7B (ATPase copper transporting beta; minus strand). Cytogenetic location: 13q14.3.
Variant type: Deletion.
Coding change: c.525del on transcript NM_000053.4 (MANE Select); coding-DNA position 525, one base deleted (A; older notation c.525delA).
Protein change: p.Val176fs; shifts the reading frame from valine 176.
Molecular consequence: frameshift variant.
Genome position (GRCh38, 1-based): chr13:51,974,695, T deleted on the plus strand (A on the coding strand, the reverse complement: ATP7B is on the minus strand); the first of 3 consecutive T bases (chr13:51,974,695-51,974,697); deleting any one gives the same sequence. VCF-style (leftmost placement, unchanged base first): chr13-51974694-CT-C. GRCh37 (hg19) VCF-style: chr13-52548830-CT-C.
Other names: c.525del, p.Val176fs (NM_001005918.3, NM_001243182.2, NM_001330578.2 and 1 more transcripts); short protein forms V176fs.
Identifiers: ClinVar variation 928974 (VCV000928974.1), dbSNP rs558037268, ClinGen allele CA1139663322.

ClinVar aggregate classification (germline): Likely pathogenic (1 of 4 stars; one submission).

Conditions:
Wilson disease (WND). Also called: Wilson's disease. Identifiers: Orphanet 905, MedGen C0019202, MONDO:0010200, OMIM 277900. Disease mechanism: loss of function.

Submission:

Women's Health and Genetics/Laboratory Corporation of America, LabCorp
Classification: Likely pathogenic for Wilson disease. Last evaluated: 2019-05-06. Review status: criteria provided, single submitter. Criteria: LabCorp Variant Classification Summary - May 2015. Collection method: clinical testing. Allele origin: germline.
Comment: Variant summary: ATP7B c.525delA (p.Val176SerfsX26) results in a premature termination codon, predicted to cause a truncation of the encoded protein or absence of the protein due to nonsense mediated decay, which are commonly known mechanisms for disease. Truncations downstream of this position have been classified as pathogenic by our laboratory. The variant was absent in 249292 control chromosomes (gnomAD). To our knowledge, no occurrence of c.525delA in individuals affected with Wilson Disease and no experimental evidence demonstrating its impact on protein function have been reported. No clinical diagnostic laboratories have submitted clinical-significance assessments for this variant to ClinVar after 2014. Based on the evidence outlined above, the variant was classified as likely pathogenic.